The following is an entry in ClinVar:

NM_001844.5(COL2A1):c.2517T>C (p.Pro839=)

Gene: COL2A1 (collagen type II alpha 1 chain; minus strand). Cytogenetic location: 12q13.11.
Variant type: single nucleotide variant.
Coding change: c.2517T>C on transcript NM_001844.5 (MANE Select); coding-DNA position 2517, T replaced by C.
Protein change: p.Pro839=; no amino-acid change (proline 839 retained).
Molecular consequence: synonymous variant.
Genome position (GRCh38, 1-based): chr12:47,980,915, A>G on the plus strand (T>C on the coding strand, the complement: COL2A1 is on the minus strand). VCF-style: chr12-47980915-A-G. GRCh37 (hg19) VCF-style: chr12-48374698-A-G.
Other names: c.2310T>C, p.Pro770= (NM_033150.3).
Identifiers: ClinVar variation 3672906 (VCV003672906.2).
Genomic context (GRCh38, chr12:47,980,915, plus strand): 5'-GTGCTGGATGTGGAACTGGCCTGAGTGGAGGGACCCAGGAGGATGGACAGAGATACTCAC[A>G]GGAGGCCCAGCAAATCCCGCTGGTCCGGGGGGCCCAGTCTCTCCACGTTCACCCTGTGAG-3'
Protein context (NP_001835.3, residues 829-849): PPGPAGFAGP[Pro839=]GADGQPGAKG

ClinVar aggregate classification (germline): Uncertain significance (1 of 4 stars; one submission).

Submission:

Labcorp Genetics (formerly Invitae), Labcorp
Classification: Uncertain significance. Last evaluated: 2024-03-21. Review status: criteria provided, single submitter. Criteria: Invitae Variant Classification Sherloc (09022015). Collection method: clinical testing. Allele origin: germline.
Comment: This sequence change affects codon 839 of the COL2A1 mRNA. It is a 'silent' change, meaning that it does not change the encoded amino acid sequence of the COL2A1 protein. It affects a nucleotide within the consensus splice site. This variant is not present in population databases (gnomAD no frequency). This variant has not been reported in the literature in individuals affected with COL2A1-related conditions. Algorithms developed to predict the effect of sequence changes on RNA splicing suggest that this variant is not likely to affect RNA splicing. In summary, the available evidence is currently insufficient to determine the role of this variant in disease. Therefore, it has been classified as a Variant of Uncertain Significance.